The following is an entry in ClinVar:

NM_001250.6(CD40):c.187G>C (p.Gly63Arg)

Gene: CD40 (CD40 molecule; plus strand). Cytogenetic location: 20q13.12.
Variant type: single nucleotide variant.
Coding change: c.187G>C on transcript NM_001250.6 (MANE Select); coding-DNA position 187, G replaced by C.
Protein change: p.Gly63Arg; replaces glycine 63 with arginine.
Molecular consequence: missense variant. On other transcripts: non-coding transcript variant (2).
Genome position (GRCh38, 1-based): chr20:46,122,289, G>C. VCF-style: chr20-46122289-G-C. GRCh37 (hg19) VCF-style: chr20-44750928-G-C.
Other names: c.187G>C, p.Gly63Arg (NM_001362758.2, NM_152854.4, NM_001302753.2 and 2 more transcripts); short protein forms G63R.
Identifiers: ClinVar variation 2088096 (VCV002088096.1), dbSNP rs756898850, ClinGen allele CA409203643.
Genomic context (GRCh38, chr20:46,122,289, plus strand): 5'-CCAGGACAGAAACTGGTGAGTGACTGCACAGAGTTCACTGAAACGGAATGCCTTCCTTGC[G>C]GTGAAAGCGAATTCCTAGACACCTGGAACAGAGAGACACACTGCCACCAGCACAAATACT-3'
Protein context (NP_001241.1, residues 53-73): EFTETECLPC[Gly63Arg]ESEFLDTWNR

ClinVar aggregate classification (germline): Uncertain significance (1 of 4 stars; one submission).

gnomAD v4.1: 2 of 1,614,148 alleles (0.00012%); highest among the groups gnomAD compares: South Asian, 0.0011%; no homozygotes.

Submission:

Labcorp Genetics (formerly Invitae), Labcorp
Classification: Uncertain significance. Last evaluated: 2022-03-13. Review status: criteria provided, single submitter. Criteria: Invitae Variant Classification Sherloc (09022015). Collection method: clinical testing. Allele origin: germline.
Comment: This sequence change replaces glycine, which is neutral and non-polar, with arginine, which is basic and polar, at codon 63 of the CD40 protein (p.Gly63Arg). This variant is not present in population databases (gnomAD no frequency). This variant has not been reported in the literature in individuals affected with CD40-related conditions. Algorithms developed to predict the effect of missense changes on protein structure and function (SIFT, PolyPhen-2, Align-GVGD) all suggest that this variant is likely to be tolerated. In summary, the available evidence is currently insufficient to determine the role of this variant in disease. Therefore, it has been classified as a Variant of Uncertain Significance.